The following is an entry in ClinVar:

NM_001363711.2(DUOX2):c.1726dup (p.Thr576fs)

Gene: DUOX2 (dual oxidase 2; minus strand). Cytogenetic location: 15q21.1.
Variant type: Duplication.
Coding change: c.1726dup on transcript NM_001363711.2 (MANE Select); coding-DNA position 1726, one base duplicated (A; older notation c.1726dupA).
Protein change: p.Thr576fs; shifts the reading frame from threonine 576.
Molecular consequence: frameshift variant.
Genome position (GRCh38, 1-based): chr15:45,106,937, T duplicated on the plus strand (A on the coding strand, the reverse complement: DUOX2 is on the minus strand); the first of 2 consecutive T bases (chr15:45,106,937-45,106,938); duplicating either gives the same sequence. VCF-style (leftmost placement, unchanged base first): chr15-45106936-G-GT. GRCh37 (hg19) VCF-style: chr15-45399134-G-GT.
Other names: c.1726dup, p.Thr576fs (NM_014080.5); short protein forms T576fs.
Identifiers: ClinVar variation 2029153 (VCV002029153.4), dbSNP rs2504768975, ClinGen allele CA2580089516.
Genomic context (GRCh38, chr15:45,106,936, plus strand): 5'-GGGCTGCTGCCTTCAAAGAAGTCAAGCACAGTCAGGGGTGCACACTGGGGCAGGCCGTCA[G>GT]TTGTGAGCTGCTTAGGTTGAGGGCAGGGTGCACCTGAGGGAGAGGGCAGGGAAGACCTCA-3'

ClinVar aggregate classification (germline): Pathogenic (1 of 4 stars; one submission).

Submission:

Labcorp Genetics (formerly Invitae), Labcorp
Classification: Pathogenic. Last evaluated: 2023-08-31. Review status: criteria provided, single submitter. Criteria: Invitae Variant Classification Sherloc (09022015). Collection method: clinical testing. Allele origin: germline.
Comment: For these reasons, this variant has been classified as Pathogenic. This sequence change creates a premature translational stop signal (p.Thr576Asnfs*2) in the DUOX2 gene. It is expected to result in an absent or disrupted protein product. Loss-of-function variants in DUOX2 are known to be pathogenic (PMID: 12110737, 18765513, 21565790, 24423310, 24735383). This variant is not present in population databases (gnomAD no frequency). This variant has not been reported in the literature in individuals affected with DUOX2-related conditions. ClinVar contains an entry for this variant (Variation ID: 2029153).

Literature cited by the submitters: PubMed 12110737; PubMed 18765513; PubMed 21565790; PubMed 24423310; PubMed 24735383.